The following is an entry in ClinVar:

NM_007317.3(KIF22):c.1339G>A (p.Asp447Asn)

Gene: KIF22 (kinesin family member 22; plus strand). Cytogenetic location: 16p11.2.
Variant type: single nucleotide variant.
Coding change: c.1339G>A on transcript NM_007317.3 (MANE Select); coding-DNA position 1339, G replaced by A.
Protein change: p.Asp447Asn; replaces aspartic acid 447 with asparagine.
Molecular consequence: missense variant.
Genome position (GRCh38, 1-based): chr16:29,802,827, G>A. VCF-style: chr16-29802827-G-A. GRCh37 (hg19) VCF-style: chr16-29814148-G-A.
Other names: c.1135G>A, p.Asp379Asn (NM_001256269.2, NM_001256270.1); short protein forms D379N, D447N.
Identifiers: ClinVar variation 1194989 (VCV001194989.12), dbSNP rs141728416, ClinGen allele CA7993259.
Genomic context (GRCh38, chr16:29,802,827, plus strand): 5'-AGCCCCCTACAGAAGCTAAGCAGCATGGACCCGGCCATGCTGGAGCGCCTCCTCAGCTTG[G>A]ACCGTCTGCTTGCCTCCCAGGGGAGCCAGGGGGCCCCTCTGTTGAGTACCCCAAAGCGAG-3'
Protein context (NP_015556.1, residues 437-457): PAMLERLLSL[Asp447Asn]RLLASQGSQG

ClinVar aggregate classification (germline): Benign/Likely benign. Review status: criteria provided, multiple submitters, no conflicts (2 of 4 stars). 3 submissions from 3 submitters: Benign (1); Likely benign (1). 1 of the submissions does not count toward it. Last evaluated 2025-09-15.

Conditions:
KIF22-related disorder. Also called: KIF22-related condition.

Allele frequency attached by ClinVar (database versions not stated): 1000 Genomes Project 0.00060; 1000 Genomes Project 30x 0.00094; gnomAD 0.00102 and 0.00113; TOPMed 0.00115; ESP Exome Variant Server 0.00123; gnomAD exomes 0.00025; ExAC 0.00031.
gnomAD v4.1: 299 of 1,611,166 alleles (0.019%); highest among the groups gnomAD compares: African/African-American, 0.33%; 1 homozygote.

Submissions (3):

Labcorp Genetics (formerly Invitae), Labcorp
Classification: Benign. Last evaluated: 2025-09-15. Review status: criteria provided, single submitter. Criteria: Invitae Variant Classification Sherloc (09022015). Collection method: clinical testing. Allele origin: germline.

GeneDx
Classification: Likely benign. Last evaluated: 2019-10-31. Review status: criteria provided, single submitter. Criteria: GeneDx Variant Classification Process June 2021. Collection method: clinical testing. Allele origin: germline. Affected: yes.
Comment: In silico analysis, which includes protein predictors and evolutionary conservation, supports that this variant does not alter protein structure/function

PreventionGenetics, part of Exact Sciences
Classification: Likely benign for KIF22-related condition. Last evaluated: 2019-10-16. Review status: no assertion criteria provided. Collection method: clinical testing. Allele origin: germline. Not counted in ClinVar's aggregate classification.
Comment: This variant is classified as likely benign based on ACMG/AMP sequence variant interpretation guidelines (Richards et al. 2015 PMID: 25741868, with internal and published modifications).